The following is an entry in ClinVar:

ClinVar aggregate classification (germline): Benign/Likely benign. Review status: criteria provided, multiple submitters, no conflicts (2 of 4 stars). 2 submissions from 2 submitters: Benign (1); Likely benign (1). Last evaluated 2025-05-06.

Conditions:
Breast-ovarian cancer, familial, susceptibility to, 3. Also called: RAD51C-Related Breast/Ovarian Cancer. Identifiers: Orphanet 145, MedGen C3150659, MONDO:0013253, OMIM 613399.
Fanconi anemia complementation group O. Also called: RAD51C-Related Fanconi Anemia. Identifiers: Orphanet 84, MedGen C3150653, MONDO:0013248, OMIM 613390.

Submissions (2):

Labcorp Genetics (formerly Invitae), Labcorp
Classification: Likely benign for Fanconi anemia complementation group O. Last evaluated: 2025-05-06. Review status: criteria provided, single submitter. Criteria: Invitae Variant Classification Sherloc (09022015). Collection method: clinical testing. Allele origin: germline.

Myriad Genetics, Inc.
Classification: Benign for Breast-ovarian cancer, familial, susceptibility to, 3. Last evaluated: 2025-02-19. Review status: criteria provided, single submitter. Criteria: Myriad Autosomal Dominant, Autosomal Recessive and X-Linked Classification Criteria (2023). Collection method: clinical testing. Allele origin: unknown.
Comment: This variant is considered benign. This variant is a silent/synonymous amino acid change and it is not expected to impact splicing.

NM_058216.3(RAD51C):c.1122A>G (p.Glu374=)

Gene: RAD51C (RAD51 paralog C; plus strand). Cytogenetic location: 17q22.
Variant type: single nucleotide variant.
Coding change: c.1122A>G on transcript NM_058216.3 (MANE Select); coding-DNA position 1122, A replaced by G.
Protein change: p.Glu374=; no amino-acid change (glutamic acid 374 retained).
Molecular consequence: synonymous variant. On other transcripts: non-coding transcript variant (1).
Genome position (GRCh38, 1-based): chr17:58,734,213, A>G. VCF-style: chr17-58734213-A-G. GRCh37 (hg19) VCF-style: chr17-56811574-A-G.
Identifiers: ClinVar variation 3904774 (VCV003904774.2).